The following is an entry in ClinVar:

ClinVar aggregate classification (germline): Conflicting classifications of pathogenicity. Review status: criteria provided, conflicting classifications (1 of 4 stars). 3 submissions from 3 submitters: Likely pathogenic (1); Uncertain significance (2). Last evaluated 2026-01-26.

Conditions:
Inborn genetic diseases. Identifiers: MedGen C0950123, MeSH D030342.

Allele frequency attached by ClinVar (database versions not stated): gnomAD 0.00001; gnomAD exomes 0.00002; TOPMed 0.00002; ExAC 0.00003; 1000 Genomes Project 30x 0.00016; 1000 Genomes Project 0.00020.

Submissions (3):

GeneDx
Classification: Likely pathogenic. Last evaluated: 2026-01-26. Review status: criteria provided, single submitter. Criteria: GeneDx Variant Classification Process June 2021. Collection method: clinical testing. Allele origin: germline. Affected: yes.
Comment: Not observed at significant frequency in large population cohorts (gnomAD); In silico analysis supports that this missense variant has a deleterious effect on protein structure/function; This variant is associated with the following publications: (PMID: 32677908, 36675121, 40240482, 40513498, Huddar2022[CaseReport], 35094435, 40804397)

Ambry Genetics
Classification: Uncertain significance for Inborn genetic diseases. Last evaluated: 2022-07-19. Review status: criteria provided, single submitter. Criteria: Ambry Variant Classification Scheme 2023. Collection method: clinical testing. Allele origin: germline.

Labcorp Genetics (formerly Invitae), Labcorp
Classification: Uncertain significance. Last evaluated: 2022-06-05. Review status: criteria provided, single submitter. Criteria: Invitae Variant Classification Sherloc (09022015). Collection method: clinical testing. Allele origin: germline.
Comment: This sequence change replaces glycine, which is neutral and non-polar, with serine, which is neutral and polar, at codon 155 of the ECHS1 protein (p.Gly155Ser). This variant is present in population databases (rs555404939, gnomAD 0.01%). This missense change has been observed in individual(s) with clinical features of Leigh syndrome (PMID: 32677908). ClinVar contains an entry for this variant (Variation ID: 452619). Advanced modeling of protein sequence and biophysical properties (such as structural, functional, and spatial information, amino acid conservation, physicochemical variation, residue mobility, and thermodynamic stability) performed at Invitae indicates that this missense variant is expected to disrupt ECHS1 protein function. Algorithms developed to predict the effect of sequence changes on RNA splicing suggest that this variant may create or strengthen a splice site. In summary, the available evidence is currently insufficient to determine the role of this variant in disease. Therefore, it has been classified as a Variant of Uncertain Significance.

Literature cited by the submitters: PubMed 32677908 (cited by Ambry Genetics and Labcorp Genetics (formerly Invitae), Labcorp).

NM_004092.4(ECHS1):c.463G>A (p.Gly155Ser)

Gene: ECHS1 (enoyl-CoA hydratase, short chain 1; minus strand). Cytogenetic location: 10q26.3.
Variant type: single nucleotide variant.
Coding change: c.463G>A on transcript NM_004092.4 (MANE Select); coding-DNA position 463, G replaced by A.
Protein change: p.Gly155Ser; replaces glycine 155 with serine.
Molecular consequence: missense variant.
Genome position (GRCh38, 1-based): chr10:133,368,974, C>T on the plus strand (G>A on the coding strand, the complement: ECHS1 is on the minus strand). VCF-style: chr10-133368974-C-T. GRCh37 (hg19) VCF-style: chr10-135182478-C-T.
Other names: short protein forms G155S.
Identifiers: ClinVar variation 452619 (VCV000452619.10), dbSNP rs555404939, ClinGen allele CA5765765.
Genomic context (GRCh38, chr10:133,368,974, plus strand): 5'-ACTCTTTACCTGGGATGGTTCCTATTAAGATCTCCGGCTGTGCAAACTGGGCCTTCTCAC[C>T]GGCATAGATGATATCACACATCATGGCAAGCTCACAGCCCCCGCCAAACTGTAAAACATT-3'
Protein context (NP_004083.3, residues 145-165): LAMMCDIIYA[Gly155Ser]EKAQFAQPEI